The following is an entry in ClinVar:

NM_177438.3(DICER1):c.5285C>T (p.Ser1762Phe)

Gene: DICER1 (dicer 1, ribonuclease III; minus strand). Cytogenetic location: 14q32.13.
Variant type: single nucleotide variant.
Coding change: c.5285C>T on transcript NM_177438.3 (MANE Select); coding-DNA position 5285, C replaced by T.
Protein change: p.Ser1762Phe; replaces serine 1762 with phenylalanine.
Molecular consequence: missense variant. On other transcripts: non-coding transcript variant (6).
Genome position (GRCh38, 1-based): chr14:95,093,967, G>A on the plus strand (C>T on the coding strand, the complement: DICER1 is on the minus strand). VCF-style: chr14-95093967-G-A. GRCh37 (hg19) VCF-style: chr14-95560304-G-A.
Other names: c.5285C>T, p.Ser1762Phe (NM_001195573.1, NM_001271282.3, NM_001291628.2 and 8 more transcripts); c.5003C>T, p.Ser1668Phe (NM_001395686.1); c.4880C>T, p.Ser1627Phe (NM_001395687.1, NM_001395688.1, NM_001395689.1 and 1 more transcripts); c.4718C>T, p.Ser1573Phe (NM_001395691.1); c.3602C>T, p.Ser1201Phe (NM_001395697.1); short protein forms S1573F, S1627F, S1201F, S1668F, S1762F.
Identifiers: ClinVar variation 4746827 (VCV004746827.1).

ClinVar aggregate classification (germline): Uncertain significance (1 of 4 stars; one submission).

Conditions:
DICER1-related tumor predisposition. Also called: DICER1-related pleuropulmonary blastoma cancer predisposition syndrome; DICER1 syndrome. Identifiers: Orphanet 284343, MedGen C3839822, MONDO:0100216.

Submission:

Labcorp Genetics (formerly Invitae), Labcorp
Classification: Uncertain significance for DICER1-related tumor predisposition. Last evaluated: 2025-07-23. Review status: criteria provided, single submitter. Criteria: Invitae Variant Classification Sherloc (09022015). Collection method: clinical testing. Allele origin: germline.
Comment: This sequence change replaces serine, which is neutral and polar, with phenylalanine, which is neutral and non-polar, at codon 1762 of the DICER1 protein (p.Ser1762Phe). This variant is not present in population databases (gnomAD no frequency). This variant has not been reported in the literature in individuals affected with DICER1-related conditions. Invitae Evidence Modeling of protein sequence and biophysical properties (such as structural, functional, and spatial information, amino acid conservation, physicochemical variation, residue mobility, and thermodynamic stability) indicates that this missense variant is expected to disrupt DICER1 protein function with a positive predictive value of 95%. In summary, the available evidence is currently insufficient to determine the role of this variant in disease. Therefore, it has been classified as a Variant of Uncertain Significance.